The following is an entry in ClinVar:

ClinVar aggregate classification (germline): Uncertain significance (1 of 4 stars; one submission).

Conditions:
Familial temporal lobe epilepsy 7. Identifiers: Orphanet 101046, MedGen C4225327, MONDO:0014639, OMIM 616436.

Submission:

Centre for Mendelian Genomics, University Medical Centre Ljubljana
Classification: Uncertain significance for Familial temporal lobe epilepsy 7. Last evaluated: 2019-03-12. Review status: criteria provided, single submitter. Criteria: ACMG Guidelines, 2015. Collection method: clinical testing. Allele origin: unknown. Affected: yes.
Comment: This variant was classified as: Uncertain significance. The available evidence on this variant's pathogenicity is insufficient or conflicting. The following ACMG criteria were applied in classifying this variant: PM2,BP4.

NM_005045.4(RELN):c.3147-9C>G

Gene: RELN (reelin; minus strand). Cytogenetic location: 7q22.1.
Variant type: single nucleotide variant.
Coding change: c.3147-9C>G on transcript NM_005045.4 (MANE Select); 9 bases into the intron before coding-DNA position 3147, C replaced by G.
Molecular consequence: intron variant.
Genome position (GRCh38, 1-based): chr7:103,603,499, G>C on the plus strand (C>G on the coding strand, the complement: RELN is on the minus strand). VCF-style: chr7-103603499-G-C. GRCh37 (hg19) VCF-style: chr7-103243946-G-C.
Other names: c.3147-9C>G (NM_173054.3).
Identifiers: ClinVar variation 931042 (VCV000931042.3), dbSNP rs1831729606, ClinGen allele CA1139660171.
Genomic context (GRCh38, chr7:103,603,499, plus strand): 5'-CGGAAGGGCAGCTTCTGGGTGGCATTCAGTGCCTTGGTACCCCTGGTCACACCTATGAGA[G>C]AGCAGGGCTGAGTAGGCAGGTTACAGGCCCACCTGCCAATGCAATGGCCCTCTGACCTCA-3'